The following is an entry in ClinVar:

ClinVar aggregate classification (germline): Likely pathogenic (1 of 4 stars; one submission).

Conditions:
Fetal akinesia deformation sequence 1 (FADS1). Also called: Fetal akinesia sequence; Pena-Shokeir syndrome type I. Identifiers: Orphanet 994, MedGen C1276035, MONDO:0100101, OMIM 208150, HP:0001989.
Congenital myasthenic syndrome 10. Also called: Myasthenia, limb-girdle, familial. Identifiers: Orphanet 590, MedGen C1850792, MONDO:0009690, OMIM 254300.

Submission:

Labcorp Genetics (formerly Invitae), Labcorp
Classification: Likely pathogenic for Congenital myasthenic syndrome 10; Fetal akinesia deformation sequence 1. Last evaluated: 2023-09-08. Review status: criteria provided, single submitter. Criteria: Invitae Variant Classification Sherloc (09022015). Collection method: clinical testing. Allele origin: germline.
Comment: In summary, the currently available evidence indicates that the variant is pathogenic, but additional data are needed to prove that conclusively. Therefore, this variant has been classified as Likely Pathogenic. Experimental studies have shown that this missense change affects DOK7 function (PMID: 36579833). Advanced modeling of protein sequence and biophysical properties (such as structural, functional, and spatial information, amino acid conservation, physicochemical variation, residue mobility, and thermodynamic stability) performed at Invitae indicates that this missense variant is expected to disrupt DOK7 protein function. This missense change has been observed in individual(s) with congenital myasthenic syndrome (PMID: 20562457, 36579833). In at least one individual the data is consistent with being in trans (on the opposite chromosome) from a pathogenic variant. This variant is not present in population databases (gnomAD no frequency). This sequence change replaces glycine, which is neutral and non-polar, with arginine, which is basic and polar, at codon 64 of the DOK7 protein (p.Gly64Arg).

Literature cited by the submitters: PubMed 36579833; PubMed 20562457.

NM_173660.5(DOK7):c.190G>C (p.Gly64Arg)

Gene: DOK7 (docking protein 7; plus strand). Cytogenetic location: 4p16.3.
Variant type: single nucleotide variant.
Coding change: c.190G>C on transcript NM_173660.5 (MANE Select); coding-DNA position 190, G replaced by C.
Protein change: p.Gly64Arg; replaces glycine 64 with arginine.
Molecular consequence: missense variant. On other transcripts: intron variant (1).
Genome position (GRCh38, 1-based): chr4:3,473,495, G>C. VCF-style: chr4-3473495-G-C. GRCh37 (hg19) VCF-style: chr4-3475222-G-C.
Other names: c.190G>C, p.Gly64Arg (NM_001164673.2, NM_001301071.2); c.100+9944G>C (NM_001363811.2); short protein forms G64R.
Identifiers: ClinVar variation 2934253 (VCV002934253.3), dbSNP rs1246160310, ClinGen allele CA356113311.